The following is an entry in ClinVar:

ClinVar aggregate classification (germline): Uncertain significance (1 of 4 stars; one submission).

Allele frequency attached by ClinVar (database versions not stated): TOPMed below 0.00001; ExAC 0.00001; gnomAD 0.00001; 1000 Genomes Project 30x 0.00016; 1000 Genomes Project 0.00020.
gnomAD v4.1: 8 of 1,614,262 alleles (0.0005%); highest among the groups gnomAD compares: Admixed American, 0.0017%; no homozygotes.

Submission:

Labcorp Genetics (formerly Invitae), Labcorp
Classification: Uncertain significance. Last evaluated: 2024-10-11. Review status: criteria provided, single submitter. Criteria: Invitae Variant Classification Sherloc (09022015). Collection method: clinical testing. Allele origin: germline.
Comment: This sequence change replaces glutamic acid, which is acidic and polar, with aspartic acid, which is acidic and polar, at codon 919 of the SIN3A protein (p.Glu919Asp). This variant is not present in population databases (gnomAD no frequency). This variant has not been reported in the literature in individuals affected with SIN3A-related conditions. Invitae Evidence Modeling of protein sequence and biophysical properties (such as structural, functional, and spatial information, amino acid conservation, physicochemical variation, residue mobility, and thermodynamic stability) indicates that this missense variant is not expected to disrupt SIN3A protein function with a negative predictive value of 80%. In summary, the available evidence is currently insufficient to determine the role of this variant in disease. Therefore, it has been classified as a Variant of Uncertain Significance.

NM_001145358.2(SIN3A):c.2757A>C (p.Glu919Asp)

Gene: SIN3A (SIN3 transcription regulator family member A; minus strand). Cytogenetic location: 15q24.2.
Variant type: single nucleotide variant.
Coding change: c.2757A>C on transcript NM_001145358.2 (MANE Select); coding-DNA position 2757, A replaced by C.
Protein change: p.Glu919Asp; replaces glutamic acid 919 with aspartic acid.
Molecular consequence: missense variant.
Genome position (GRCh38, 1-based): chr15:75,392,336, T>G on the plus strand (A>C on the coding strand, the complement: SIN3A is on the minus strand). VCF-style: chr15-75392336-T-G. GRCh37 (hg19) VCF-style: chr15-75684677-T-G.
Other names: c.2757A>C, p.Glu919Asp (NM_001145357.2, NM_015477.3); short protein forms E919D.
Identifiers: ClinVar variation 2999251 (VCV002999251.3), dbSNP rs200048584, ClinGen allele CA7667411.